The following is an entry in ClinVar:

ClinVar aggregate classification (germline): Uncertain significance (1 of 4 stars; one submission).

Conditions:
Welander distal myopathy (WDM). Also called: Gower's muscular dystrophy; Welander distal myopathy, Swedish type; Distal myopathy, Swedish type; MUSCULAR DYSTROPHY, DISTAL, LATE-ONSET, AUTOSOMAL DOMINANT. Identifiers: Orphanet 603, MedGen C0221054, MONDO:0011466, OMIM 604454.

Submission:

Labcorp Genetics (formerly Invitae), Labcorp
Classification: Uncertain significance for Welander distal myopathy. Last evaluated: 2024-10-23. Review status: criteria provided, single submitter. Criteria: Invitae Variant Classification Sherloc (09022015). Collection method: clinical testing. Allele origin: germline.
Comment: This sequence change falls in intron 3 of the TIA1 gene. It does not directly change the encoded amino acid sequence of the TIA1 protein. It affects a nucleotide within the consensus splice site. This variant is not present in population databases (gnomAD no frequency). This variant has not been reported in the literature in individuals affected with TIA1-related conditions. Variants that disrupt the consensus splice site are a relatively common cause of aberrant splicing (PMID: 17576681, 9536098). Algorithms developed to predict the effect of sequence changes on RNA splicing suggest that this variant may disrupt the consensus splice site. In summary, the available evidence is currently insufficient to determine the role of this variant in disease. Therefore, it has been classified as a Variant of Uncertain Significance.

Literature cited by the submitters: PubMed 17576681; PubMed 9536098.

NM_022173.4(TIA1):c.222+5G>A

Gene: TIA1 (TIA1 cytotoxic granule associated RNA binding protein; minus strand). Cytogenetic location: 2p13.3.
Variant type: single nucleotide variant.
Coding change: c.222+5G>A on transcript NM_022173.4 (MANE Select); 5 bases into the intron after coding-DNA position 222, G replaced by A.
Molecular consequence: intron variant.
Genome position (GRCh38, 1-based): chr2:70,230,751, C>T on the plus strand (G>A on the coding strand, the complement: TIA1 is on the minus strand). VCF-style: chr2-70230751-C-T. GRCh37 (hg19) VCF-style: chr2-70457883-C-T.
Other names: c.111+5G>A (NM_001351513.1, NM_001351511.1); c.117+5G>A (NM_001351512.1); c.27+5G>A (NM_001351514.2, NM_001351523.2); c.-199+10G>A (NM_001351524.2); c.-422+10G>A (NM_001351517.2); c.222+5G>A (NM_001351510.2, NM_022037.4, NM_001351508.2 and 5 more transcripts); c.-232+5G>A (NM_001351525.2); c.-168+5G>A (NM_001351515.2); and 1 more.
Identifiers: ClinVar variation 3669168 (VCV003669168.2).